The following is an entry in ClinVar:

NM_002439.5(MSH3):c.2679A>G (p.Ile893Met)

Gene: MSH3 (mutS homolog 3; plus strand). Cytogenetic location: 5q14.1.
Variant type: single nucleotide variant.
Coding change: c.2679A>G on transcript NM_002439.5 (MANE Select); coding-DNA position 2679, A replaced by G.
Protein change: p.Ile893Met; replaces isoleucine 893 with methionine.
Molecular consequence: missense variant.
Genome position (GRCh38, 1-based): chr5:80,813,607, A>G. VCF-style: chr5-80813607-A-G. GRCh37 (hg19) VCF-style: chr5-80109426-A-G.
Other names: c.2679A>G (NM_002439.3); short protein forms I893M.
Identifiers: ClinVar variation 1692671 (VCV001692671.8), dbSNP rs747341239, ClinGen allele CA3328326.
Genomic context (GRCh38, chr5:80,813,607, plus strand): 5'-TCTGGTACAATAAGTGAAATTCCTTTCTAATTTTCAGGAGGACTCAGAGAGAGTAATGAT[A>G]ATTACCGGACCAAACATGGGTGGAAAGAGCTCCTACATAAAACAAGTTGCATTGATTACC-3'
Protein context (NP_002430.3, residues 883-903): DLSEDSERVM[Ile893Met]ITGPNMGGKS

ClinVar aggregate classification (germline): Uncertain significance. Review status: criteria provided, multiple submitters, no conflicts (2 of 4 stars). 4 submissions from 4 submitters: Uncertain significance (4). Last evaluated 2026-02-18.

Conditions:
Hereditary cancer-predisposing syndrome. Also called: Tumor predisposition; Hereditary Cancer Syndrome; Hereditary neoplastic syndrome; Neoplastic Syndromes, Hereditary. Identifiers: Orphanet 140162, MedGen C0027672, MeSH D009386, MONDO:0015356.
Endometrial carcinoma. Also called: Endometrial carcinoma, somatic. Identifiers: MedGen C0476089, MONDO:0002447, OMIM 608089, HP:0012114.

Allele frequency attached by ClinVar (database versions not stated): gnomAD exomes below 0.00001; ExAC 0.00001.
gnomAD v4.1: 2 of 1,614,168 alleles (0.00012%); highest among the groups gnomAD compares: Non-Finnish European, 0.00017%; no homozygotes.

Submissions (4):

Ambry Genetics
Classification: Uncertain significance for Hereditary cancer-predisposing syndrome. Last evaluated: 2026-02-18. Review status: criteria provided, single submitter. Criteria: Ambry Variant Classification Scheme 2023. Collection method: clinical testing. Allele origin: germline.
Comment: The p.I893M variant (also known as c.2679A>G), located in coding exon 20 of the MSH3 gene, results from an A to G substitution at nucleotide position 2679. The isoleucine at codon 893 is replaced by methionine, an amino acid with highly similar properties. This amino acid position is highly conserved in available vertebrate species. In addition, the in silico prediction for this alteration is inconclusive. Based on the available evidence, the clinical significance of this variant remains unclear.

Labcorp Genetics (formerly Invitae), Labcorp
Classification: Uncertain significance. Last evaluated: 2025-05-13. Review status: criteria provided, single submitter. Criteria: Invitae Variant Classification Sherloc (09022015). Collection method: clinical testing. Allele origin: germline.
Comment: This sequence change replaces isoleucine, which is neutral and non-polar, with methionine, which is neutral and non-polar, at codon 893 of the MSH3 protein (p.Ile893Met). This variant is present in population databases (rs747341239, gnomAD 0.0009%). This variant has not been reported in the literature in individuals affected with MSH3-related conditions. ClinVar contains an entry for this variant (Variation ID: 1692671). An algorithm developed to predict the effect of missense changes on protein structure and function (PolyPhen-2) suggests that this variant is likely to be disruptive. In summary, the available evidence is currently insufficient to determine the role of this variant in disease. Therefore, it has been classified as a Variant of Uncertain Significance.

Baylor Genetics
Classification: Uncertain significance for Endometrial carcinoma. Last evaluated: 2023-12-12. Review status: criteria provided, single submitter. Criteria: ACMG Guidelines, 2015. Collection method: clinical testing. Allele origin: unknown.

Sema4
Classification: Uncertain significance for Hereditary cancer-predisposing syndrome. Last evaluated: 2022-01-26. Review status: criteria provided, single submitter. Criteria: Sema4 Curation Guidelines. Collection method: curation. Allele origin: germline.
Comment: The MSH3 c.2679A>G (p.I893M) variant has not been reported in the literature to our knowledge. This variant was observed in 1/251422 chromosomes across the different populations included in the Genome Aggregation Database (PMID: 32461654). The variant has not been reported in ClinVar. Functional studies have not been performed, and in silico predictions of the variant's effect on protein function are inconclusive. The evidence is insufficient to meet ACMG/AMP criteria for classifying the variant as benign or pathogenic. Thus, the clinical significance of this variant is currently uncertain.